The following is an entry in ClinVar:

NM_022124.6(CDH23):c.1987-1G>C

Gene: CDH23 (cadherin related 23; plus strand). Cytogenetic location: 10q22.1.
Variant type: single nucleotide variant.
Coding change: c.1987-1G>C on transcript NM_022124.6 (MANE Select); the canonical splice acceptor site of the intron before coding-DNA position 1987, G replaced by C.
Molecular consequence: splice acceptor variant.
Genome position (GRCh38, 1-based): chr10:71,687,646, G>C. VCF-style: chr10-71687646-G-C. GRCh37 (hg19) VCF-style: chr10-73447403-G-C.
Other names: c.1987-1G>C (NM_001171930.2, NM_001171931.2).
Identifiers: ClinVar variation 4064138 (VCV004064138.2).
Genomic context (GRCh38, chr10:71,687,646, plus strand): 5'-ACATCTGGCCAGCCCACCTGCCTCCCTGCAGCCTCCTGCAACCTGTCTGTGTTCCTTCCA[G>C]GATGAGAATGACAACCCTCCCACCTTCAGCAAGCCCGCCTACTTCGTCTCCGTGGTGGAG-3'

ClinVar aggregate classification (germline): Likely pathogenic (1 of 4 stars; one submission).

Conditions:
Usher syndrome type 1 (USH1). Also called: RETINITIS PIGMENTOSA AND CONGENITAL DEAFNESS. Identifiers: Orphanet 231169, Orphanet 886, MedGen C1568247, MONDO:0010168, OMIM 276900.

Submission:

Natera, Inc.
Classification: Likely pathogenic for Usher syndrome type 1. Last evaluated: 2025-02-20. Review status: criteria provided, single submitter. Criteria: Natera Variant Classification Schema (03/2026). Collection method: clinical testing. Allele origin: germline.
Comment: The c.1987-1G>C variant in CDH23 is a canonical splice acceptor site variant predicted to affect pre-mRNA splicing, which may result in an abnormal transcript and altered protein product. This variant is expected to result in nonsense mediated decay, truncation, or a dysfunctional protein product. This variant is rare in the general population with a frequency below the threshold expected for the associated phenotype(s). Given the available evidence, this variant is classified as Likely Pathogenic.